The following is an entry in ClinVar:

NM_005412.6(SHMT2):c.448G>A (p.Val150Ile)

Gene: SHMT2 (serine hydroxymethyltransferase 2; plus strand). Cytogenetic location: 12q13.3.
Variant type: single nucleotide variant.
Coding change: c.448G>A on transcript NM_005412.6 (MANE Select); coding-DNA position 448, G replaced by A.
Protein change: p.Val150Ile; replaces valine 150 with isoleucine.
Molecular consequence: missense variant. On other transcripts: non-coding transcript variant (4).
Genome position (GRCh38, 1-based): chr12:57,231,849, G>A. VCF-style: chr12-57231849-G-A. GRCh37 (hg19) VCF-style: chr12-57625632-G-A.
Other names: c.448G>A, p.Val150Ile (NM_001166356.2); c.385G>A, p.Val129Ile (NM_001166357.1, NM_001166358.2, NM_001166359.1); short protein forms V150I, V129I.
Identifiers: ClinVar variation 2412410 (VCV002412410.3), dbSNP rs143872444, ClinGen allele CA6646357.
Genomic context (GRCh38, chr12:57,231,849, plus strand): 5'-GATCCTGCACAGTGGGGAGTCAATGTCCAGCCCTACTCCGGGTCCCCAGCCAACCTGGCC[G>A]TCTACACAGCCCTTCTGCAACCTCACGACCGGATCATGGGGCTGGACCTGCCCGATGGGG-3'
Protein context (NP_005403.2, residues 140-160): PYSGSPANLA[Val150Ile]YTALLQPHDR

ClinVar aggregate classification (germline): Uncertain significance. Review status: criteria provided, multiple submitters, no conflicts (2 of 4 stars). 2 submissions from 2 submitters: Uncertain significance (2). Last evaluated 2023-06-06.

Conditions:
Inborn genetic diseases. Identifiers: MedGen C0950123, MeSH D030342.

Allele frequency attached by ClinVar (database versions not stated): ExAC 0.00002; gnomAD 0.00003; TOPMed 0.00003; gnomAD exomes 0.00005; ESP Exome Variant Server 0.00008; 1000 Genomes Project 30x 0.00016.
gnomAD v4.1: 70 of 1,613,996 alleles (0.0043%); highest among the groups gnomAD compares: Middle Eastern, 0.016%; no homozygotes.

Submissions (2):

GeneDx
Classification: Uncertain significance. Last evaluated: 2023-06-06. Review status: criteria provided, single submitter. Criteria: GeneDx Variant Classification Process June 2021. Collection method: clinical testing. Allele origin: germline. Affected: yes.
Comment: In silico analysis supports that this missense variant does not alter protein structure/function; Has not been previously published as pathogenic or benign to our knowledge

Ambry Genetics
Classification: Uncertain significance for Inborn genetic diseases. Last evaluated: 2022-05-11. Review status: criteria provided, single submitter. Criteria: Ambry Variant Classification Scheme 2023. Collection method: clinical testing. Allele origin: germline.